The following is an entry in ClinVar:

ClinVar aggregate classification (germline): Likely pathogenic (1 of 4 stars; one submission).

Conditions:
Familial hypokalemia-hypomagnesemia (GTLMNS). Also called: POTASSIUM AND MAGNESIUM DEPLETION; HYPOMAGNESEMIA-HYPOKALEMIA, PRIMARY RENOTUBULAR, WITH HYPOCALCIURIA; gitelman syndrome. Identifiers: Orphanet 358, MedGen C0268450, MONDO:0009904, OMIM 263800.

gnomAD v4.1: 1 of 1,614,232 alleles (0.000062%); highest among the groups gnomAD compares: Non-Finnish European, 0.000085%; no homozygotes.

Submission:

Natera, Inc.
Classification: Likely pathogenic for Gitelman syndrome. Last evaluated: 2025-07-23. Review status: criteria provided, single submitter. Criteria: Natera Variant Classification Schema (03/2026). Collection method: clinical testing. Allele origin: germline.
Comment: The c.1049C>A variant in SLC12A3 is a nonsense variant predicted to introduce a stop codon at amino acid 350. This variant is expected to result in nonsense mediated decay, truncation, or a dysfunctional protein product. This variant is rare in the general population with a frequency below the threshold expected for the associated phenotype(s). Given the available evidence, this variant is classified as Likely Pathogenic.

NM_001126108.2(SLC12A3):c.1049C>A (p.Ser350Ter)

Gene: SLC12A3 (solute carrier family 12 member 3; plus strand). Cytogenetic location: 16q13.
Variant type: single nucleotide variant.
Coding change: c.1049C>A on transcript NM_001126108.2 (MANE Select); coding-DNA position 1049, C replaced by A.
Protein change: p.Ser350Ter; replaces serine 350 with a stop codon.
Molecular consequence: nonsense.
Genome position (GRCh38, 1-based): chr16:56,872,740, C>A. VCF-style: chr16-56872740-C-A. GRCh37 (hg19) VCF-style: chr16-56906652-C-A.
Other names: c.1049C>A, p.Ser350Ter (NM_000339.3); c.1046C>A, p.Ser349Ter (NM_001126107.2, NM_001410896.1); short protein forms S349*, S350*.
Identifiers: ClinVar variation 4818181 (VCV004818181.1).